The following is an entry in ClinVar:

ClinVar aggregate classification (germline): Uncertain significance (1 of 4 stars; one submission).

Conditions:
Hereditary cancer-predisposing syndrome. Also called: Neoplastic Syndromes, Hereditary; Tumor predisposition; Hereditary Cancer Syndrome; Hereditary neoplastic syndrome. Identifiers: Orphanet 140162, MedGen C0027672, MeSH D009386, MONDO:0015356.

Submission:

Ambry Genetics
Classification: Uncertain significance for Hereditary cancer-predisposing syndrome. Last evaluated: 2025-03-03. Review status: criteria provided, single submitter. Criteria: Ambry Variant Classification Scheme 2023. Collection method: clinical testing. Allele origin: germline.
Comment: The p.P669S variant (also known as c.2005C>T), located in coding exon 11 of the BARD1 gene, results from a C to T substitution at nucleotide position 2005. The proline at codon 669 is replaced by serine, an amino acid with similar properties. This amino acid position is conserved. In addition, the in silico prediction for this alteration is inconclusive. Since supporting evidence is limited at this time, the clinical significance of this alteration remains unclear.

NM_000465.4(BARD1):c.2005C>T (p.Pro669Ser)

Gene: BARD1 (BRCA1 associated RING domain 1; minus strand). Cytogenetic location: 2q35.
Variant type: single nucleotide variant.
Coding change: c.2005C>T on transcript NM_000465.4 (MANE Select); coding-DNA position 2005, C replaced by T.
Protein change: p.Pro669Ser; replaces proline 669 with serine.
Molecular consequence: missense variant. On other transcripts: non-coding transcript variant (3).
Genome position (GRCh38, 1-based): chr2:214,729,005, G>A on the plus strand (C>T on the coding strand, the complement: BARD1 is on the minus strand). VCF-style: chr2-214729005-G-A. GRCh37 (hg19) VCF-style: chr2-215593729-G-A.
Other names: c.595C>T, p.Pro199Ser (NM_001282548.2); c.466C>T, p.Pro156Ser (NM_001282549.2); c.1948C>T, p.Pro650Ser (NM_001282543.2); c.652C>T, p.Pro218Ser (NM_001282545.2); short protein forms P199S, P218S, P650S, P669S, P156S.
Identifiers: ClinVar variation 1784310 (VCV001784310.3), dbSNP rs2105988056, ClinGen allele CA350450823.